The following is an entry in ClinVar:

ClinVar aggregate classification (germline): Uncertain significance. Review status: criteria provided, multiple submitters, no conflicts (2 of 4 stars). 3 submissions from 3 submitters: Uncertain significance (3). Last evaluated 2025-08-17.

Conditions:
Cardiovascular phenotype. Identifiers: MedGen CN230736.
Hypercholesterolemia, autosomal dominant, 3 (FHCL3). Also called: Familial Hypercholesterolemia, Autosomal Dominant, 3; PCSK9-Related Familial Hypercholesterolemia, Autosomal Dominant; Familial hypercholesterolemia 3. Identifiers: MedGen C1863551, MONDO:0011369, OMIM 603776.
Familial hypercholesterolemia. Also called: Familial hypercholesterolemias; Familial hypercholesterolaemia. Identifiers: MedGen C0020445, MONDO:0005439.

Allele frequency attached by ClinVar (database versions not stated): gnomAD exomes 0.00001.

Submissions (3):

Color Diagnostics, LLC DBA Color Health
Classification: Uncertain significance for Familial hypercholesterolemia. Last evaluated: 2025-08-17. Review status: criteria provided, single submitter. Criteria: ACMG Guidelines, 2015. Collection method: clinical testing. Allele origin: germline.
Comment: This missense variant replaces alanine with threonine at codon 300 of the PCSK9 protein. Computational prediction suggests that this variant may have deleterious impact on protein structure and function. To our knowledge, functional studies have not been reported for this variant. This variant has not been reported in individuals affected with PCSK9-related disorders in the literature. This variant has been identified in 2/224006 chromosomes in the general population by the Genome Aggregation Database (gnomAD). The available evidence is insufficient to determine the role of this variant in disease conclusively. Therefore, this variant is classified as a Variant of Uncertain Significance.

Ambry Genetics
Classification: Uncertain significance for Cardiovascular phenotype. Last evaluated: 2024-08-25. Review status: criteria provided, single submitter. Criteria: Ambry Variant Classification Scheme 2023. Collection method: clinical testing. Allele origin: germline.
Comment: The p.A300T variant (also known as c.898G>A), located in coding exon 6 of the PCSK9 gene, results from a G to A substitution at nucleotide position 898. The alanine at codon 300 is replaced by threonine, an amino acid with similar properties. This amino acid position is conserved. In addition, this alteration is predicted to be deleterious by in silico analysis. Since supporting evidence is limited at this time, the clinical significance of this alteration remains unclear.

All of Us Research Program, National Institutes of Health
Classification: Uncertain significance for Hypercholesterolemia, autosomal dominant, 3. Last evaluated: 2023-06-26. Review status: criteria provided, single submitter. Criteria: ACMG Guidelines, 2015. Collection method: clinical testing. Allele origin: germline. Inheritance: Autosomal dominant inheritance. Observed: 1 variant allele, 1 heterozygote.
Comment: This missense variant replaces alanine with threonine at codon 300 of the PCSK9 protein. Computational prediction suggests that this variant may have deleterious impact on protein structure and function (internally defined REVEL score threshold >= 0.7, PMID: 27666373). To our knowledge, functional studies have not been reported for this variant. This variant has not been reported in individuals affected with PCSK9-related disorders in the literature. This variant has been identified in 2/224006 chromosomes in the general population by the Genome Aggregation Database (gnomAD). The available evidence is insufficient to determine the role of this variant in disease conclusively. Therefore, this variant is classified as a Variant of Uncertain Significance.

This study involves interpretation of variants in research participants for the purpose of population health screening. Participant phenotype was not available at the time of variant classification. Additional details can be found in publication PMID: 35346344, PMCID: PMC8962531

NM_174936.4(PCSK9):c.898G>A (p.Ala300Thr)

Gene: PCSK9 (proprotein convertase subtilisin/kexin type 9; plus strand). Cytogenetic location: 1p32.3.
Variant type: single nucleotide variant.
Coding change: c.898G>A on transcript NM_174936.4 (MANE Select); coding-DNA position 898, G replaced by A.
Protein change: p.Ala300Thr; replaces alanine 300 with threonine.
Molecular consequence: missense variant.
Genome position (GRCh38, 1-based): chr1:55,056,091, G>A. VCF-style: chr1-55056091-G-A. GRCh37 (hg19) VCF-style: chr1-55521764-G-A.
Other names: c.1021G>A, p.Ala341Thr (NM_001407240.1); c.898G>A, p.Ala300Thr (NM_001407241.1, NM_001407244.1, NM_001407247.1); c.901G>A, p.Ala301Thr (NM_001407242.1); c.841G>A, p.Ala281Thr (NM_001407243.1); c.706G>A, p.Ala236Thr (NM_001407245.1); c.523G>A, p.Ala175Thr (NM_001407246.1); short protein forms A175T, A281T, A300T, A236T, A301T, A341T.
Identifiers: ClinVar variation 1765355 (VCV001765355.5), dbSNP rs1437137125, ClinGen allele CA340474712.
Genomic context (GRCh38, chr1:55,056,091, plus strand): 5'-GTGGGGCCACTGGTGGTGCTGCTGCCCCTGGCGGGTGGGTACAGCCGCGTCCTCAACGCC[G>A]CCTGCCAGCGCCTGGCGAGGGCTGGGGTCGTGCTGGTCACCGCTGCCGGCAACTTCCGGG-3'
Protein context (NP_777596.2, residues 290-310): AGGYSRVLNA[Ala300Thr]CQRLARAGVV